The following is an entry in ClinVar:

NM_017534.6(MYH2):c.1160C>T (p.Ala387Val)

Genes: MYHAS (myosin heavy chain gene cluster antisense RNA; plus strand), MYH2 (myosin heavy chain 2; minus strand). Cytogenetic location: 17p13.1.
Variant type: single nucleotide variant.
Coding change: c.1160C>T on transcript NM_017534.6 (MANE Select); coding-DNA position 1160, C replaced by T.
Protein change: p.Ala387Val; replaces alanine 387 with valine.
Molecular consequence: missense variant.
Genome position (GRCh38, 1-based): chr17:10,539,550, G>A on the plus strand (C>T on the coding strand, the complement: MYH2 is on the minus strand). VCF-style: chr17-10539550-G-A. GRCh37 (hg19) VCF-style: chr17-10442867-G-A.
Other names: c.1160C>T, p.Ala387Val (NM_001100112.2); short protein forms A387V.
Identifiers: ClinVar variation 374380 (VCV000374380.11), dbSNP rs527337606, ClinGen allele CA8391432.

ClinVar aggregate classification (germline): Uncertain significance. Review status: criteria provided, multiple submitters, no conflicts (2 of 4 stars). 3 submissions from 3 submitters: Uncertain significance (3). Last evaluated 2025-10-29.

Conditions:
Myopathy, proximal, and ophthalmoplegia (CMYO6). Also called: INCLUSION BODY MYOPATHY 3, AUTOSOMAL DOMINANT; CONGENITAL MYOPATHY 6 WITH OPHTHALMOPLEGIA; MYOPATHY WITH CONGENITAL JOINT CONTRACTURES, OPHTHALMOPLEGIA, AND RIMMED VACUOLES. Identifiers: Orphanet 363677, Orphanet 79091, MedGen C1854106, MONDO:0011577, OMIM 605637.

Allele frequency attached by ClinVar (database versions not stated): ExAC 0.00001; gnomAD exomes 0.00002 and 0.00005; TOPMed 0.00002; gnomAD 0.00004 and 0.00005; 1000 Genomes Project 30x 0.00016; 1000 Genomes Project 0.00020.

Submissions (3):

Labcorp Genetics (formerly Invitae), Labcorp
Classification: Uncertain significance for Myopathy, proximal, and ophthalmoplegia. Last evaluated: 2025-10-29. Review status: criteria provided, single submitter. Criteria: Invitae Variant Classification Sherloc (09022015). Collection method: clinical testing. Allele origin: germline.
Comment: This sequence change replaces alanine, which is neutral and non-polar, with valine, which is neutral and non-polar, at codon 387 of the MYH2 protein (p.Ala387Val). This variant is present in population databases (rs527337606, gnomAD 0.004%). This variant has not been reported in the literature in individuals affected with MYH2-related conditions. ClinVar contains an entry for this variant (Variation ID: 374380). Invitae Evidence Modeling of protein sequence and biophysical properties (such as structural, functional, and spatial information, amino acid conservation, physicochemical variation, residue mobility, and thermodynamic stability) indicates that this missense variant is not expected to disrupt MYH2 protein function with a negative predictive value of 80%. In summary, the available evidence is currently insufficient to determine the role of this variant in disease. Therefore, it has been classified as a Variant of Uncertain Significance.

Revvity Omics, Revvity
Classification: Uncertain significance for Myopathy, proximal, and ophthalmoplegia. Last evaluated: 2020-02-11. Review status: criteria provided, single submitter. Criteria: ACMG Guidelines, 2015. Collection method: clinical testing. Allele origin: germline.

Baylor Genetics
Classification: Uncertain significance for Myopathy, proximal, and ophthalmoplegia. Review status: criteria provided, single submitter. Criteria: ACMG Guidelines, 2015. Collection method: clinical testing. Allele origin: unknown.